The following is an entry in ClinVar:

ClinVar aggregate classification (germline): Likely benign (0 of 4 stars; one submission).

Conditions:
TENM4-related disorder. Also called: TENM4-related condition.

Allele frequency attached by ClinVar (database versions not stated): ExAC 0.00007; gnomAD 0.00011; TOPMed 0.00015; ESP Exome Variant Server 0.00016; 1000 Genomes Project 0.00020; 1000 Genomes Project 30x 0.00031.
gnomAD v4.1: 210 of 1,614,004 alleles (0.013%); highest among the groups gnomAD compares: Admixed American, 0.035%; no homozygotes.

Submission:

PreventionGenetics, part of Exact Sciences
Classification: Likely benign for TENM4-related condition. Last evaluated: 2020-06-09. Review status: no assertion criteria provided. Collection method: clinical testing. Allele origin: germline.
Comment: This variant is classified as likely benign based on ACMG/AMP sequence variant interpretation guidelines (Richards et al. 2015 PMID: 25741868, with internal and published modifications).

NM_001098816.3(TENM4):c.8211C>T (p.Tyr2737=)

Gene: TENM4 (teneurin transmembrane protein 4; minus strand). Cytogenetic location: 11q14.1.
Variant type: single nucleotide variant.
Coding change: c.8211C>T on transcript NM_001098816.3 (MANE Select); coding-DNA position 8211, C replaced by T.
Protein change: p.Tyr2737=; no amino-acid change (tyrosine 2737 retained).
Molecular consequence: synonymous variant.
Genome position (GRCh38, 1-based): chr11:78,658,157, G>A on the plus strand (C>T on the coding strand, the complement: TENM4 is on the minus strand). VCF-style: chr11-78658157-G-A. GRCh37 (hg19) VCF-style: chr11-78369202-G-A.
Identifiers: ClinVar variation 3047711 (VCV003047711.2), dbSNP rs61740576, ClinGen allele CA6206061.